The following is an entry in ClinVar:

NM_015346.4(ZFYVE26):c.3061C>T (p.Arg1021Ter)

Gene: ZFYVE26 (zinc finger FYVE-type containing 26; minus strand). Cytogenetic location: 14q24.1.
Variant type: single nucleotide variant.
Coding change: c.3061C>T on transcript NM_015346.4 (MANE Select); coding-DNA position 3061, C replaced by T.
Protein change: p.Arg1021Ter; replaces arginine 1021 with a stop codon.
Molecular consequence: nonsense.
Genome position (GRCh38, 1-based): chr14:67,786,192, G>A on the plus strand (C>T on the coding strand, the complement: ZFYVE26 is on the minus strand). VCF-style: chr14-67786192-G-A. GRCh37 (hg19) VCF-style: chr14-68252909-G-A.
Other names: short protein forms R1021*.
Identifiers: ClinVar variation 954133 (VCV000954133.10), dbSNP rs2039651443, ClinGen allele CA390173078.

ClinVar aggregate classification (germline): Pathogenic/Likely pathogenic. Review status: criteria provided, multiple submitters, no conflicts (2 of 4 stars). 2 submissions from 2 submitters: Pathogenic (1); Likely pathogenic (1). Last evaluated 2022-04-08.

Conditions:
Hereditary spastic paraplegia 15 (SPG15). Also called: KJELLIN SYNDROME; SPASTIC PARAPLEGIA AND RETINAL DEGENERATION; SPASTIC PARAPLEGIA 15, AUTOSOMAL RECESSIVE. Identifiers: Orphanet 100996, MedGen C1849128, MONDO:0010044, OMIM 270700.
Spastic paraplegia. Identifiers: MedGen C0037772, HP:0001258.

gnomAD v4.1: 3 of 1,604,202 alleles (0.00019%); highest among the groups gnomAD compares: Non-Finnish European, 0.00025%; no homozygotes.

Submissions (2):

Labcorp Genetics (formerly Invitae), Labcorp
Classification: Pathogenic for Spastic paraplegia. Last evaluated: 2022-04-08. Review status: criteria provided, single submitter. Criteria: Invitae Variant Classification Sherloc (09022015). Collection method: clinical testing. Allele origin: germline.
Comment: For these reasons, this variant has been classified as Pathogenic. ClinVar contains an entry for this variant (Variation ID: 954133). This variant has not been reported in the literature in individuals affected with ZFYVE26-related conditions. This variant is not present in population databases (gnomAD no frequency). This sequence change creates a premature translational stop signal (p.Arg1021*) in the ZFYVE26 gene. It is expected to result in an absent or disrupted protein product. Loss-of-function variants in ZFYVE26 are known to be pathogenic (PMID: 18394578, 19805727).

Revvity Omics, Revvity
Classification: Likely pathogenic for Hereditary spastic paraplegia 15. Last evaluated: 2022-02-03. Review status: criteria provided, single submitter. Criteria: ACMG Guidelines, 2015. Collection method: clinical testing. Allele origin: germline.

Literature cited by the submitters: PubMed 18394578 (cited by Labcorp Genetics (formerly Invitae), Labcorp); PubMed 19805727 (cited by Labcorp Genetics (formerly Invitae), Labcorp).